The following is an entry in ClinVar:

NM_003172.4(SURF1):c.8C>T (p.Ala3Val)

Gene: SURF1 (SURF1 cytochrome c oxidase assembly factor; minus strand). Cytogenetic location: 9q34.2.
Variant type: single nucleotide variant.
Coding change: c.8C>T on transcript NM_003172.4 (MANE Select); coding-DNA position 8, C replaced by T.
Protein change: p.Ala3Val; replaces alanine 3 with valine.
Molecular consequence: missense variant. On other transcripts: 5 prime UTR variant (1).
Genome position (GRCh38, 1-based): chr9:133,356,446, G>A on the plus strand (C>T on the coding strand, the complement: SURF1 is on the minus strand). VCF-style: chr9-133356446-G-A. GRCh37 (hg19) VCF-style: chr9-136223322-G-A.
Other names: c.-268C>T (NM_001280787.1); c.8C>T (NM_003172.2); short protein forms A3V.
Identifiers: ClinVar variation 1388607 (VCV001388607.4), dbSNP rs966145163, ClinGen allele CA200834131.

ClinVar aggregate classification (germline): Uncertain significance. Review status: criteria provided, multiple submitters, no conflicts (2 of 4 stars). 2 submissions from 2 submitters: Uncertain significance (2). Last evaluated 2025-10-06.

Conditions:
Inborn genetic diseases. Identifiers: MedGen C0950123, MeSH D030342.
Leigh syndrome (NULS). Also called: Leigh's syndrome; Leigh Disease; Subacute necrotizing encephalopathy; Necrotizing encephalopathy infantile subacute of Leigh; LEIGH SYNDROME, NUCLEAR; Leigh Syndrome (mtDNA deletion). Identifiers: Orphanet 506, MedGen C2931891, MONDO:0009723, OMIM 256000.

gnomAD v4.1: 78 of 1,417,330 alleles (0.0055%); highest among the groups gnomAD compares: Non-Finnish European, 0.0063%; no homozygotes.

Submissions (2):

Ambry Genetics
Classification: Uncertain significance for Inborn genetic diseases. Last evaluated: 2025-10-06. Review status: criteria provided, single submitter. Criteria: Ambry Variant Classification Scheme 2023. Collection method: clinical testing. Allele origin: germline.

Labcorp Genetics (formerly Invitae), Labcorp
Classification: Uncertain significance for Leigh syndrome. Last evaluated: 2022-07-25. Review status: criteria provided, single submitter. Criteria: Invitae Variant Classification Sherloc (09022015). Collection method: clinical testing. Allele origin: germline.
Comment: This sequence change replaces alanine, which is neutral and non-polar, with valine, which is neutral and non-polar, at codon 3 of the SURF1 protein (p.Ala3Val). The frequency data for this variant in the population databases is considered unreliable, as metrics indicate poor data quality at this position in the gnomAD database. This variant has not been reported in the literature in individuals affected with SURF1-related conditions. ClinVar contains an entry for this variant (Variation ID: 1388607). Algorithms developed to predict the effect of missense changes on protein structure and function are either unavailable or do not agree on the potential impact of this missense change (SIFT: "Tolerated"; PolyPhen-2: "Not Available"; Align-GVGD: "Class C0"). In summary, the available evidence is currently insufficient to determine the role of this variant in disease. Therefore, it has been classified as a Variant of Uncertain Significance.